The following is an entry in ClinVar:

NM_000038.6(APC):c.1464_1467del (p.Thr489fs)

Gene: APC (APC regulator of Wnt signaling pathway; plus strand). Cytogenetic location: 5q22.2.
Variant type: Deletion.
Coding change: c.1464_1467del on transcript NM_000038.6 (MANE Select); coding-DNA positions 1464 to 1467, 4 bases deleted (TACT; older notation c.1464_1467delTACT).
Protein change: p.Thr489fs; shifts the reading frame from threonine 489.
Molecular consequence: frameshift variant.
Genome position (GRCh38, 1-based): chr5:112,827,163-112,827,166, TACT deleted; deleting any 4 consecutive bases within chr5:112,827,161-112,827,166 gives the same sequence; the c. name uses the placement nearest the transcript's 3' end. VCF-style (leftmost placement, unchanged base first): chr5-112827160-GCTTA-G. GRCh37 (hg19) VCF-style: chr5-112162857-GCTTA-G.
Other names: c.1464_1467del, p.Thr489fs (NM_001127510.3, NM_001354895.2); c.1410_1413del, p.Thr471fs (NM_001127511.3); c.1518_1521del, p.Thr507fs (NM_001354896.2); c.1494_1497del, p.Thr499fs (NM_001354897.2); c.1389_1392del, p.Thr464fs (NM_001354898.2); c.1380_1383del, p.Thr461fs (NM_001354899.2); c.1341_1344del, p.Thr448fs (NM_001354900.2); c.1287_1290del, p.Thr430fs (NM_001354901.2); and 5 more; short protein forms T461fs, T471fs, T388fs, T430fs, T464fs, T489fs, T363fs, T398fs.
Identifiers: ClinVar variation 428165 (VCV000428165.6), dbSNP rs1114167602, ClinGen allele CA645369348.

ClinVar aggregate classification (germline): Pathogenic. Review status: criteria provided, multiple submitters, no conflicts (2 of 4 stars). 2 submissions from 2 submitters: Pathogenic (2). Last evaluated 2025-05-03.

Conditions:
Hereditary cancer-predisposing syndrome. Also called: Hereditary Cancer Syndrome; Neoplastic Syndromes, Hereditary; Hereditary neoplastic syndrome; Tumor predisposition. Identifiers: Orphanet 140162, MedGen C0027672, MeSH D009386, MONDO:0015356.
Familial adenomatous polyposis 1 (FAP1). Also called: FAMILIAL ADENOMATOUS POLYPOSIS 1, ATTENUATED; POLYPOSIS, ADENOMATOUS INTESTINAL. Identifiers: MedGen C2713442, MONDO:0021056, OMIM 175100. Disease mechanism: loss of function.

Submissions (2):

Labcorp Genetics (formerly Invitae), Labcorp
Classification: Pathogenic for Familial adenomatous polyposis 1. Last evaluated: 2025-05-03. Review status: criteria provided, single submitter. Criteria: Invitae Variant Classification Sherloc (09022015). Collection method: clinical testing. Allele origin: germline.
Comment: This sequence change creates a premature translational stop signal (p.Thr489Metfs*8) in the APC gene. It is expected to result in an absent or disrupted protein product. Loss-of-function variants in APC are known to be pathogenic (PMID: 17963004, 20685668). This variant is not present in population databases (gnomAD no frequency). This variant has not been reported in the literature in individuals affected with APC-related conditions. ClinVar contains an entry for this variant (Variation ID: 428165). For these reasons, this variant has been classified as Pathogenic.

Ambry Genetics
Classification: Pathogenic for Hereditary cancer-predisposing syndrome. Last evaluated: 2018-02-05. Review status: criteria provided, single submitter. Criteria: Ambry Variant Classification Scheme 2023. Collection method: clinical testing. Allele origin: germline.
Comment: The c.1464_1467delTACT pathogenic mutation, located in coding exon 11 of the APC gene, results from a deletion of 4 nucleotides at nucleotide positions 1464 to 1467, causing a translational frameshift with a predicted alternate stop codon (p.T489Mfs*8). This alteration is expected to result in loss of function by premature protein truncation or nonsense-mediated mRNA decay. As such, this alteration is interpreted as a disease-causing mutation.

Literature cited by the submitters: PubMed 17963004 (cited by Labcorp Genetics (formerly Invitae), Labcorp); PubMed 20685668 (cited by Labcorp Genetics (formerly Invitae), Labcorp).